The following is an entry in ClinVar:

NM_005912.3(MC4R):c.375T>A (p.Ile125=)

Gene: MC4R (melanocortin 4 receptor; minus strand). Cytogenetic location: 18q21.32.
Variant type: single nucleotide variant.
Coding change: c.375T>A on transcript NM_005912.3 (MANE Select); coding-DNA position 375, T replaced by A.
Protein change: p.Ile125=; no amino-acid change (isoleucine 125 retained).
Molecular consequence: synonymous variant.
Genome position (GRCh38, 1-based): chr18:60,371,975, A>T on the plus strand (T>A on the coding strand, the complement: MC4R is on the minus strand). VCF-style: chr18-60371975-A-T. GRCh37 (hg19) VCF-style: chr18-58039208-A-T.
Identifiers: ClinVar variation 3354862 (VCV003354862.1).

ClinVar aggregate classification (germline): Likely benign (0 of 4 stars; one submission).

Conditions:
MC4R-related disorder. Also called: MC4R-related condition.

gnomAD v4.1: 22 of 1,614,174 alleles (0.0014%); highest among the groups gnomAD compares: Non-Finnish European, 0.0019%; no homozygotes.

Submission:

PreventionGenetics, part of Exact Sciences
Classification: Likely benign for MC4R-related condition. Last evaluated: 2024-05-31. Review status: no assertion criteria provided. Collection method: clinical testing. Allele origin: germline.
Comment: This variant is classified as likely benign based on ACMG/AMP sequence variant interpretation guidelines (Richards et al. 2015 PMID: 25741868, with internal and published modifications).